The following is an entry in ClinVar:

NM_004371.4(COPA):c.2476G>T (p.Gly826Trp)

Gene: COPA (coat protein complex I subunit alpha; minus strand). Cytogenetic location: 1q23.2.
Variant type: single nucleotide variant.
Coding change: c.2476G>T on transcript NM_004371.4 (MANE Select); coding-DNA position 2476, G replaced by T.
Protein change: p.Gly826Trp; replaces glycine 826 with tryptophan.
Molecular consequence: missense variant.
Genome position (GRCh38, 1-based): chr1:160,295,736, C>A on the plus strand (G>T on the coding strand, the complement: COPA is on the minus strand). VCF-style: chr1-160295736-C-A. GRCh37 (hg19) VCF-style: chr1-160265526-C-A.
Other names: c.2503G>T, p.Gly835Trp (NM_001098398.2); short protein forms G826W, G835W.
Identifiers: ClinVar variation 4823686 (VCV004823686.4).

ClinVar aggregate classification (germline): Uncertain significance (1 of 4 stars; one submission).

Submission:

CeGaT Center for Human Genetics Tuebingen
Classification: Uncertain significance. Last evaluated: 2026-03-01. Review status: criteria provided, single submitter. Criteria: CeGaT Center For Human Genetics Tuebingen Variant Classification Criteria Version 2. Collection method: clinical testing. Allele origin: germline. Affected: yes. Observed: 1 variant allele.
Comment: COPA: PM2